The following is an entry in ClinVar:

NM_015450.3(POT1):c.1762G>A (p.Asp588Asn)

Gene: POT1 (protection of telomeres 1; minus strand). Cytogenetic location: 7q31.33.
Variant type: single nucleotide variant.
Coding change: c.1762G>A on transcript NM_015450.3 (MANE Select); coding-DNA position 1762, G replaced by A.
Protein change: p.Asp588Asn; replaces aspartic acid 588 with asparagine.
Molecular consequence: missense variant. On other transcripts: non-coding transcript variant (3).
Genome position (GRCh38, 1-based): chr7:124,825,282, C>T on the plus strand (G>A on the coding strand, the complement: POT1 is on the minus strand). VCF-style: chr7-124825282-C-T. GRCh37 (hg19) VCF-style: chr7-124465336-C-T.
Other names: c.1369G>A, p.Asp457Asn (NM_001042594.2); short protein forms D588N, D457N.
Identifiers: ClinVar variation 3782008 (VCV003782008.1).

ClinVar aggregate classification (germline): Uncertain significance (1 of 4 stars; one submission).

Conditions:
Hereditary cancer-predisposing syndrome. Also called: Neoplastic Syndromes, Hereditary; Hereditary Cancer Syndrome; Tumor predisposition; Hereditary neoplastic syndrome. Identifiers: Orphanet 140162, MedGen C0027672, MeSH D009386, MONDO:0015356.

Submission:

Ambry Genetics
Classification: Uncertain significance for Hereditary cancer-predisposing syndrome. Last evaluated: 2025-02-14. Review status: criteria provided, single submitter. Criteria: Ambry Variant Classification Scheme 2023. Collection method: clinical testing. Allele origin: germline.
Comment: The p.D588N variant (also known as c.1762G>A), located in coding exon 14 of the POT1 gene, results from a G to A substitution at nucleotide position 1762. The aspartic acid at codon 588 is replaced by asparagine, an amino acid with highly similar properties. This amino acid position is conserved. In addition, this alteration is predicted to be tolerated by in silico analysis. Based on the available evidence, the clinical significance of this variant remains unclear.